The following is an entry in ClinVar:

ClinVar aggregate classification (germline): Uncertain significance. Review status: criteria provided, multiple submitters, no conflicts (2 of 4 stars). 3 submissions from 3 submitters: Uncertain significance (3). Last evaluated 2025-07-18.

Conditions:
Interstitial lung disease due to ABCA3 deficiency. Also called: PULMONARY ALVEOLAR PROTEINOSIS, CONGENITAL, 3. Identifiers: Orphanet 440402, MedGen C1970456, MONDO:0012582, OMIM 610921.

Allele frequency attached by ClinVar (database versions not stated): ESP Exome Variant Server 0.00008; TOPMed 0.00010; gnomAD 0.00013 and 0.00014.
gnomAD v4.1: 112 of 1,613,738 alleles (0.0069%); highest among the groups gnomAD compares: African/African-American, 0.02%; no homozygotes.

Submissions (3):

Women's Health and Genetics/Laboratory Corporation of America, LabCorp
Classification: Uncertain significance. Last evaluated: 2025-07-18. Review status: criteria provided, single submitter. Criteria: LabCorp Variant Classification Summary - May 2015. Collection method: clinical testing. Allele origin: germline.
Comment: Variant summary: ABCA3 c.4253A>G (p.Asn1418Ser) results in a conservative amino acid change located in the second AAA+ ATPase domain (IPR003593) of the encoded protein sequence. Algorithms developed to predict the effect of missense changes on protein structure and function are either unavailable or do not agree on the potential impact of this missense change. The variant allele was found at a frequency of 6.4e-05 in 251356 control chromosomes (gnomAD). This frequency is not significantly higher than estimated for a pathogenic variant in ABCA3 causing Pulmonary surfactant metabolism dysfunction (6.4e-05 vs 0.0011), allowing no conclusion about variant significance. c.4253A>G has been observed in at least one individual affected with Pulmonary surfactant metabolism dysfunction (Agrawal_2012). These data do not allow any conclusion about variant significance. To our knowledge, no experimental evidence demonstrating an impact on protein function has been reported. The following publication have been ascertained in the context of this evaluation (PMID: 22337229). ClinVar contains an entry for this variant (Variation ID: 887347). Based on the evidence outlined above, the variant was classified as uncertain significance.

Labcorp Genetics (formerly Invitae), Labcorp
Classification: Uncertain significance. Last evaluated: 2024-07-30. Review status: criteria provided, single submitter. Criteria: Invitae Variant Classification Sherloc (09022015). Collection method: clinical testing. Allele origin: germline.
Comment: This sequence change replaces asparagine, which is neutral and polar, with serine, which is neutral and polar, at codon 1418 of the ABCA3 protein (p.Asn1418Ser). This variant is present in population databases (rs147036502, gnomAD 0.03%). This missense change has been observed in individual(s) with interstitial lung disease (PMID: 22337229). ClinVar contains an entry for this variant (Variation ID: 887347). Advanced modeling of protein sequence and biophysical properties (such as structural, functional, and spatial information, amino acid conservation, physicochemical variation, residue mobility, and thermodynamic stability) performed at Invitae indicates that this missense variant is not expected to disrupt ABCA3 protein function with a negative predictive value of 80%. In summary, the available evidence is currently insufficient to determine the role of this variant in disease. Therefore, it has been classified as a Variant of Uncertain Significance.

Illumina Laboratory Services, Illumina
Classification: Uncertain significance for Interstitial lung disease due to ABCA3 deficiency. Last evaluated: 2017-04-28. Review status: criteria provided, single submitter. Criteria: ICSL Variant Classification Criteria 13 December 2019. Collection method: clinical testing. Allele origin: germline.
Comment: This variant was observed as part of a predisposition screen in an ostensibly healthy population. A literature search was performed for the gene, cDNA change, and amino acid change (where applicable). Publications were found based on this search. However, the evidence from the literature, in combination with allele frequency data from public databases where available, was not sufficient to rule this variant in or out of causing disease. Therefore, this variant is classified as a variant of unknown significance.

Literature cited by the submitters: PubMed 22337229 (cited by 3 submitters); PubMed 25406294 (cited by Illumina Laboratory Services, Illumina); PubMed 27670912 (cited by Illumina Laboratory Services, Illumina); PubMed 23166334 (cited by Illumina Laboratory Services, Illumina).

NM_001089.3(ABCA3):c.4253A>G (p.Asn1418Ser)

Gene: ABCA3 (ATP binding cassette subfamily A member 3; minus strand). Cytogenetic location: 16p13.3.
Variant type: single nucleotide variant.
Coding change: c.4253A>G on transcript NM_001089.3 (MANE Select); coding-DNA position 4253, A replaced by G.
Protein change: p.Asn1418Ser; replaces asparagine 1418 with serine.
Molecular consequence: missense variant.
Genome position (GRCh38, 1-based): chr16:2,281,133, T>C on the plus strand (A>G on the coding strand, the complement: ABCA3 is on the minus strand). VCF-style: chr16-2281133-T-C. GRCh37 (hg19) VCF-style: chr16-2331134-T-C.
Other names: short protein forms N1418S.
Identifiers: ClinVar variation 887347 (VCV000887347.6), dbSNP rs147036502, ClinGen allele CA7840189.
Genomic context (GRCh38, chr16:2,281,133, plus strand): 5'-CCAGAAGTGAGGCTCTCCTCCCCGGTCAGCATTTTGAAAGTCGTGGTCTTCCCGGCTCCA[T>C]TGAAGCCCAGCAGGCCGAAGCACTCCCCTTTCTGCACCGCGAGGGAGAGCCTGTCCACGG-3'
Protein context (NP_001080.2, residues 1408-1428): KGECFGLLGF[Asn1418Ser]GAGKTTTFKM